The following is an entry in ClinVar:

ClinVar aggregate classification (germline): Uncertain significance. Review status: criteria provided, multiple submitters, no conflicts (2 of 4 stars). 3 submissions from 3 submitters: Uncertain significance (3). Last evaluated 2025-11-17.

Conditions:
Knobloch syndrome (KNO). Also called: RETINAL DETACHMENT AND OCCIPITAL ENCEPHALOCELE; Myopia retinal detachment encephalocele. Identifiers: Orphanet 1571, MedGen C1849409, MONDO:0800166.
Inborn genetic diseases. Identifiers: MedGen C0950123, MeSH D030342.

Allele frequency attached by ClinVar (database versions not stated): ExAC 0.00003; gnomAD 0.00003 and 0.00004; gnomAD exomes 0.00003; TOPMed 0.00005.
gnomAD v4.1: 76 of 1,612,806 alleles (0.0047%); highest among the groups gnomAD compares: Admixed American, 0.0067%; no homozygotes.

Submissions (3):

Labcorp Genetics (formerly Invitae), Labcorp
Classification: Uncertain significance. Last evaluated: 2025-11-17. Review status: criteria provided, single submitter. Criteria: Invitae Variant Classification Sherloc (09022015). Collection method: clinical testing. Allele origin: germline.
Comment: This sequence change replaces arginine, which is basic and polar, with histidine, which is basic and polar, at codon 37 of the COL18A1 protein (p.Arg37His). This variant is present in population databases (rs771318359, gnomAD 0.009%). This variant has not been reported in the literature in individuals affected with COL18A1-related conditions. ClinVar contains an entry for this variant (Variation ID: 340190). Experimental studies and prediction algorithms are not available or were not evaluated, and the functional significance of this variant is currently unknown. In summary, the available evidence is currently insufficient to determine the role of this variant in disease. Therefore, it has been classified as a Variant of Uncertain Significance.

Ambry Genetics
Classification: Uncertain significance for Inborn genetic diseases. Last evaluated: 2024-01-25. Review status: criteria provided, single submitter. Criteria: Ambry Variant Classification Scheme 2023. Collection method: clinical testing. Allele origin: germline.

Illumina Laboratory Services, Illumina
Classification: Uncertain significance for Knobloch syndrome 1. Last evaluated: 2018-01-12. Review status: criteria provided, single submitter. Criteria: ICSL Variant Classification Criteria 13 December 2019. Collection method: clinical testing. Allele origin: germline.

NM_001379500.1(COL18A1):c.110G>A (p.Arg37His)

Gene: COL18A1 (collagen type XVIII alpha 1 chain; plus strand). Cytogenetic location: 21q22.3.
Variant type: single nucleotide variant.
Coding change: c.110G>A on transcript NM_001379500.1 (MANE Select); coding-DNA position 110, G replaced by A.
Protein change: p.Arg37His; replaces arginine 37 with histidine.
Molecular consequence: missense variant.
Genome position (GRCh38, 1-based): chr21:45,468,245, G>A. VCF-style: chr21-45468245-G-A. GRCh37 (hg19) VCF-style: chr21-46888159-G-A.
Other names: NM_130445.2:c.110G>A; c.650G>A, p.Arg217His (NM_030582.4); c.1355G>A, p.Arg452His (NM_130444.3); short protein forms R217H, R452H.
Identifiers: ClinVar variation 340190 (VCV000340190.10), dbSNP rs771318359, ClinGen allele CA10065679.
Genomic context (GRCh38, chr21:45,468,245, plus strand): 5'-GGTGGCCCCTGGTTCCGTCCTGCACAGCCACCTCACCAGCTGTCTTTCTTTTTGCAGAGC[G>A]CATCAGCGAGGAGGTGGGGCTGCTGCAGCTCCTTGGGGACCCCCCGCCCCAGCAGGTCAC-3'
Protein context (NP_001366429.1, residues 27-47): GVRAASAEPE[Arg37His]ISEEVGLLQL